The following is an entry in ClinVar:

ClinVar aggregate classification (germline): Pathogenic (1 of 4 stars; one submission).

Conditions:
Citrin deficiency. Identifiers: Orphanet 247582, MedGen C1997910, MONDO:0016602.

Submission:

Labcorp Genetics (formerly Invitae), Labcorp
Classification: Pathogenic for Citrin deficiency. Last evaluated: 2023-05-27. Review status: criteria provided, single submitter. Criteria: Invitae Variant Classification Sherloc (09022015). Collection method: clinical testing. Allele origin: germline.
Comment: This sequence change creates a premature translational stop signal (p.Leu398Tyrfs*10) in the SLC25A13 gene. It is expected to result in an absent or disrupted protein product. Loss-of-function variants in SLC25A13 are known to be pathogenic (PMID: 10369257, 14680984, 27405544). For these reasons, this variant has been classified as Pathogenic. This variant is also known as 1192-1193delT. This premature translational stop signal has been observed in individual(s) with citrin deficiency (PMID: 20376801). This variant is not present in population databases (gnomAD no frequency).

Literature cited by the submitters: PubMed 10369257; PubMed 14680984; PubMed 27405544; PubMed 20376801.

NM_014251.3(SLC25A13):c.1193del (p.Leu398fs)

Gene: SLC25A13 (solute carrier family 25 member 13; minus strand). Cytogenetic location: 7q21.3.
Variant type: Deletion.
Coding change: c.1193del on transcript NM_014251.3 (MANE Select); coding-DNA position 1193, one base deleted (T; older notation c.1193delT).
Protein change: p.Leu398fs; shifts the reading frame from leucine 398.
Molecular consequence: frameshift variant. On other transcripts: non-coding transcript variant (1).
Genome position (GRCh38, 1-based): chr7:96,171,509, A deleted on the plus strand (T on the coding strand, the reverse complement: SLC25A13 is on the minus strand); the first of 2 consecutive A bases (chr7:96,171,509-96,171,510); deleting either gives the same sequence. VCF-style (leftmost placement, unchanged base first): chr7-96171508-TA-T. GRCh37 (hg19) VCF-style: chr7-95800820-TA-T.
Other names: c.1196del, p.Leu399fs (NM_001160210.2); short protein forms L399fs, L398fs.
Identifiers: ClinVar variation 2735054 (VCV002735054.3), dbSNP rs2485736833, ClinGen allele CA2695208129.